The following is an entry in ClinVar:

ClinVar aggregate classification (germline): Uncertain significance (1 of 4 stars; one submission).

Conditions:
Dilated cardiomyopathy 1G (CMD1G). Identifiers: Orphanet 154, MedGen C1858763, MONDO:0011400, OMIM 604145.
Autosomal recessive limb-girdle muscular dystrophy type 2J (LGMDR10). Also called: Limb-girdle muscular dystrophy, type 2J; MUSCULAR DYSTROPHY, LIMB-GIRDLE, AUTOSOMAL RECESSIVE 10. Identifiers: Orphanet 140922, MedGen C1837342, MONDO:0012127, OMIM 608807.

gnomAD v4.1: 3 of 1,613,694 alleles (0.00019%); highest among the groups gnomAD compares: Non-Finnish European, 0.00025%; no homozygotes.

Submission:

Labcorp Genetics (formerly Invitae), Labcorp
Classification: Uncertain significance for Dilated cardiomyopathy 1G; Autosomal recessive limb-girdle muscular dystrophy type 2J. Last evaluated: 2024-09-29. Review status: criteria provided, single submitter. Criteria: Invitae Variant Classification Sherloc (09022015). Collection method: clinical testing. Allele origin: germline.
Comment: This sequence change replaces isoleucine, which is neutral and non-polar, with phenylalanine, which is neutral and non-polar, at codon 33645 of the TTN protein (p.Ile33645Phe). This variant is present in population databases (rs770564631, gnomAD 0.0009%). This variant has not been reported in the literature in individuals affected with TTN-related conditions. Experimental studies and prediction algorithms are not available or were not evaluated, and the functional significance of this variant is currently unknown. This variant is located in the M band of TTN (PMID: 25589632). Non-truncating variants in this region may be relevant for neuromuscular disorders, but have not been definitively shown to cause cardiomyopathy (PMID: 23975875). In summary, the available evidence is currently insufficient to determine the role of this variant in disease. Therefore, it has been classified as a Variant of Uncertain Significance.

Literature cited by the submitters: PubMed 25589632; PubMed 23975875.

NM_001267550.2(TTN):c.100933A>T (p.Ile33645Phe)

Genes: TTN (titin; minus strand), TTN-AS1 (TTN antisense RNA 1; plus strand). Cytogenetic location: 2q31.2.
Variant type: single nucleotide variant.
Coding change: c.100933A>T on transcript NM_001267550.2 (MANE Select); coding-DNA position 100933, A replaced by T.
Protein change: p.Ile33645Phe; replaces isoleucine 33645 with phenylalanine.
Molecular consequence: missense variant.
Genome position (GRCh38, 1-based): chr2:178,535,682, T>A on the plus strand (A>T on the coding strand, the complement: TTN is on the minus strand). VCF-style: chr2-178535682-T-A. GRCh37 (hg19) VCF-style: chr2-179400409-T-A.
Other names: c.96010A>T, p.Ile32004Phe (NM_001256850.1); c.73738A>T, p.Ile24580Phe (NM_003319.4); c.93229A>T, p.Ile31077Phe (NM_133378.4); c.74113A>T, p.Ile24705Phe (NM_133432.3); c.74314A>T, p.Ile24772Phe (NM_133437.4); short protein forms I24580F, I24705F, I24772F, I31077F, I32004F, I33645F.
Identifiers: ClinVar variation 3748638 (VCV003748638.1).